The following is an entry in ClinVar:

NM_004006.3(DMD):c.1217T>C (p.Leu406Pro)

Gene: DMD (dystrophin; minus strand). Cytogenetic location: Xp21.1.
Variant type: single nucleotide variant.
Coding change: c.1217T>C on transcript NM_004006.3 (MANE Select); coding-DNA position 1217, T replaced by C.
Protein change: p.Leu406Pro; replaces leucine 406 with proline.
Molecular consequence: missense variant.
Genome position (GRCh38, 1-based): chrX:32,644,246, A>G on the plus strand (T>C on the coding strand, the complement: DMD is on the minus strand). VCF-style: chrX-32644246-A-G. GRCh37 (hg19) VCF-style: chrX-32662363-A-G.
Other names: c.1193T>C, p.Leu398Pro (NM_000109.4); c.1205T>C, p.Leu402Pro (NM_004009.3); c.848T>C, p.Leu283Pro (NM_004010.3); short protein forms L283P, L398P, L402P, L406P.
Identifiers: ClinVar variation 4800987 (VCV004800987.1).
Genomic context (GRCh38, chrX:32,644,246, plus strand): 5'-AGATTCATCTGCTCTTGTACTTCAGTTTCTTCATCTTCTGATAATTTTCCTGTTCCAATC[A>G]GCTTACTTCCCAATTGTAGAATATTACCAACCCGGCCCTGATGGGCTGTCAAATCCATCA-3'
Protein context (NP_003997.2, residues 396-416): VGNILQLGSK[Leu406Pro]IGTGKLSEDE

ClinVar aggregate classification (germline): Uncertain significance (1 of 4 stars; one submission).

Conditions:
Duchenne muscular dystrophy (DMD). Also called: Duchenne Muscular Dystrophy (DMD); MUSCULAR DYSTROPHY, PSEUDOHYPERTROPHIC PROGRESSIVE, DUCHENNE TYPE. Identifiers: Orphanet 98896, MedGen C0013264, MONDO:0010679, OMIM 310200.

Submission:

Labcorp Genetics (formerly Invitae), Labcorp
Classification: Uncertain significance for Duchenne muscular dystrophy. Last evaluated: 2025-09-04. Review status: criteria provided, single submitter. Criteria: Invitae Variant Classification Sherloc (09022015). Collection method: clinical testing. Allele origin: germline.
Comment: This sequence change replaces leucine, which is neutral and non-polar, with proline, which is neutral and non-polar, at codon 406 of the DMD protein (p.Leu406Pro). This variant is not present in population databases (gnomAD no frequency). This variant has not been reported in the literature in individuals affected with DMD-related conditions. Invitae Evidence Modeling of protein sequence and biophysical properties (such as structural, functional, and spatial information, amino acid conservation, physicochemical variation, residue mobility, and thermodynamic stability) indicates that this missense variant is not expected to disrupt DMD protein function with a negative predictive value of 95%. In summary, the available evidence is currently insufficient to determine the role of this variant in disease. Therefore, it has been classified as a Variant of Uncertain Significance.